The following is an entry in ClinVar:

ClinVar aggregate classification (germline): Uncertain significance (1 of 4 stars; one submission).

gnomAD v4.1: 32 of 1,602,220 alleles (0.002%); highest among the groups gnomAD compares: African/African-American, 0.042%; no homozygotes.

Submission:

Labcorp Genetics (formerly Invitae), Labcorp
Classification: Uncertain significance. Last evaluated: 2022-11-01. Review status: criteria provided, single submitter. Criteria: Invitae Variant Classification Sherloc (09022015). Collection method: clinical testing. Allele origin: germline.
Comment: This sequence change replaces histidine, which is basic and polar, with glutamine, which is neutral and polar, at codon 134 of the MPDZ protein (p.His134Gln). This variant is present in population databases (rs759451744, gnomAD 0.03%). This missense change has been observed in individuals with retinitis pigmentosa (Invitae). ClinVar contains an entry for this variant (Variation ID: 1492525). Algorithms developed to predict the effect of missense changes on protein structure and function output the following: SIFT: "Tolerated"; PolyPhen-2: "Benign"; Align-GVGD: "Class C0". The glutamine amino acid residue is found in multiple mammalian species, which suggests that this missense change does not adversely affect protein function. In summary, the available evidence is currently insufficient to determine the role of this variant in disease. Therefore, it has been classified as a Variant of Uncertain Significance.

NM_001378778.1(MPDZ):c.402T>A (p.His134Gln)

Gene: MPDZ (multiple PDZ domain crumbs cell polarity complex component; minus strand). Cytogenetic location: 9p23.
Variant type: single nucleotide variant.
Coding change: c.402T>A on transcript NM_001378778.1 (MANE Select); coding-DNA position 402, T replaced by A.
Protein change: p.His134Gln; replaces histidine 134 with glutamine.
Molecular consequence: missense variant.
Genome position (GRCh38, 1-based): chr9:13,223,702, A>T on the plus strand (T>A on the coding strand, the complement: MPDZ is on the minus strand). VCF-style: chr9-13223702-A-T. GRCh37 (hg19) VCF-style: chr9-13223701-A-T.
Other names: c.402T>A, p.His134Gln (NM_001261406.2, NM_001261407.2, NM_001330637.2 and 14 more transcripts); short protein forms H134Q.
Identifiers: ClinVar variation 1492525 (VCV001492525.3), dbSNP rs759451744, ClinGen allele CA4988121.